The following is an entry in ClinVar:

NM_032043.3(BRIP1):c.644C>G (p.Ser215Cys)

Gene: BRIP1 (BRCA1 interacting DNA helicase 1; minus strand). Cytogenetic location: 17q23.2.
Variant type: single nucleotide variant.
Coding change: c.644C>G on transcript NM_032043.3 (MANE Select); coding-DNA position 644, C replaced by G.
Protein change: p.Ser215Cys; replaces serine 215 with cysteine.
Molecular consequence: missense variant.
Genome position (GRCh38, 1-based): chr17:61,808,741, G>C on the plus strand (C>G on the coding strand, the complement: BRIP1 is on the minus strand). VCF-style: chr17-61808741-G-C. GRCh37 (hg19) VCF-style: chr17-59886102-G-C.
Other names: short protein forms S215C.
Identifiers: ClinVar variation 1753592 (VCV001753592.5), dbSNP rs12947398, ClinGen allele CA400485218.

ClinVar aggregate classification (germline): Uncertain significance. Review status: criteria provided, multiple submitters, no conflicts (2 of 4 stars). 2 submissions from 2 submitters: Uncertain significance (2). Last evaluated 2024-06-21.

Conditions:
Hereditary cancer-predisposing syndrome. Also called: Neoplastic Syndromes, Hereditary; Tumor predisposition; Hereditary neoplastic syndrome; Hereditary Cancer Syndrome. Identifiers: Orphanet 140162, MedGen C0027672, MeSH D009386, MONDO:0015356.
Fanconi anemia complementation group J. Also called: BRIP1-Related Fanconi Anemia. Identifiers: Orphanet 84, MedGen C1836860, MONDO:0012187, OMIM 609054.
Familial cancer of breast. Also called: BREAST CANCER, FAMILIAL; Hereditary breast cancer; hereditary breast carcinoma. Identifiers: Orphanet 227535, MedGen C0346153, MONDO:0016419, OMIM 114480. Disease mechanism: loss of function.

gnomAD v4.1: 6 of 1,613,064 alleles (0.00037%); highest among the groups gnomAD compares: Non-Finnish European, 0.00051%; no homozygotes.

Submissions (2):

Labcorp Genetics (formerly Invitae), Labcorp
Classification: Uncertain significance for Familial cancer of breast; Fanconi anemia complementation group J. Last evaluated: 2024-06-21. Review status: criteria provided, single submitter. Criteria: Invitae Variant Classification Sherloc (09022015). Collection method: clinical testing. Allele origin: germline.
Comment: This sequence change replaces serine, which is neutral and polar, with cysteine, which is neutral and slightly polar, at codon 215 of the BRIP1 protein (p.Ser215Cys). This variant is not present in population databases (gnomAD no frequency). This variant has not been reported in the literature in individuals affected with BRIP1-related conditions. ClinVar contains an entry for this variant (Variation ID: 1753592). Advanced modeling of protein sequence and biophysical properties (such as structural, functional, and spatial information, amino acid conservation, physicochemical variation, residue mobility, and thermodynamic stability) performed at Invitae indicates that this missense variant is not expected to disrupt BRIP1 protein function with a negative predictive value of 80%. In summary, the available evidence is currently insufficient to determine the role of this variant in disease. Therefore, it has been classified as a Variant of Uncertain Significance.

Ambry Genetics
Classification: Uncertain significance for Hereditary cancer-predisposing syndrome. Last evaluated: 2024-04-23. Review status: criteria provided, single submitter. Criteria: Ambry Variant Classification Scheme 2023. Collection method: clinical testing. Allele origin: germline.
Comment: The p.S215C variant (also known as c.644C>G), located in coding exon 6 of the BRIP1 gene, results from a C to G substitution at nucleotide position 644. The serine at codon 215 is replaced by cysteine, an amino acid with dissimilar properties. This amino acid position is not well conserved in available vertebrate species. In addition, the in silico prediction for this alteration is inconclusive. Since supporting evidence is limited at this time, the clinical significance of this alteration remains unclear.